The following is an entry in ClinVar:

NM_004168.4(SDHA):c.1917G>A (p.Leu639=)

Gene: SDHA (succinate dehydrogenase complex flavoprotein subunit A; plus strand). Cytogenetic location: 5p15.33.
Variant type: single nucleotide variant.
Coding change: c.1917G>A on transcript NM_004168.4 (MANE Select); coding-DNA position 1917, G replaced by A.
Protein change: p.Leu639=; no amino-acid change (leucine 639 retained).
Molecular consequence: synonymous variant.
Genome position (GRCh38, 1-based): chr5:256,342, G>A. VCF-style: chr5-256342-G-A. GRCh37 (hg19) VCF-style: chr5-256457-G-A.
Other names: c.1773G>A, p.Leu591= (NM_001294332.2); c.1674G>A, p.Leu558= (NM_001330758.2).
Identifiers: ClinVar variation 3438680 (VCV003438680.1).

ClinVar aggregate classification (germline): Uncertain significance (1 of 4 stars; one submission).

Conditions:
Hereditary cancer-predisposing syndrome. Also called: Tumor predisposition; Neoplastic Syndromes, Hereditary; Hereditary neoplastic syndrome; Hereditary Cancer Syndrome. Identifiers: Orphanet 140162, MedGen C0027672, MeSH D009386, MONDO:0015356.

Submission:

Ambry Genetics
Classification: Uncertain significance for Hereditary cancer-predisposing syndrome. Last evaluated: 2024-07-08. Review status: criteria provided, single submitter. Criteria: Ambry Variant Classification Scheme 2023. Collection method: clinical testing. Allele origin: germline.
Comment: The c.1917G>A variant (also known as p.L639L), located in coding exon 15 of the SDHA gene, results from a G to A substitution at nucleotide position 1917. This nucleotide substitution does not change the leucine at codon 639. This nucleotide position is highly conserved in available vertebrate species. In silico splice site analysis for this alteration is inconclusive. Based on the available evidence, the clinical significance of this variant remains unclear.